The following is an entry in ClinVar:

ClinVar aggregate classification (germline): Conflicting classifications of pathogenicity. Review status: criteria provided, conflicting classifications (1 of 4 stars). 2 submissions from 2 submitters: Uncertain significance (1); Likely benign (1). Last evaluated 2025-12-15.

Conditions:
Inborn genetic diseases. Identifiers: MedGen C0950123, MeSH D030342.
Multiple gastrointestinal atresias. Also called: FAMILIAL INTESTINAL POLYATRESIA SYNDROME; Multiple intestinal atresia. Identifiers: Orphanet 2300, MedGen C0220744, MONDO:0009465.

Allele frequency attached by ClinVar (database versions not stated): gnomAD 0.00001; gnomAD exomes 0.00001.

Submissions (2):

Ambry Genetics
Classification: Likely benign for Inborn genetic diseases. Last evaluated: 2025-12-15. Review status: criteria provided, single submitter. Criteria: Ambry Variant Classification Scheme 2023. Collection method: clinical testing. Allele origin: germline.

Labcorp Genetics (formerly Invitae), Labcorp
Classification: Uncertain significance for Multiple gastrointestinal atresias. Last evaluated: 2022-02-22. Review status: criteria provided, single submitter. Criteria: Invitae Variant Classification Sherloc (09022015). Collection method: clinical testing. Allele origin: germline.
Comment: This sequence change replaces histidine, which is basic and polar, with tyrosine, which is neutral and polar, at codon 596 of the TTC7A protein (p.His596Tyr). This variant is present in population databases (no rsID available, gnomAD 0.1%). This variant has not been reported in the literature in individuals affected with TTC7A-related conditions. Algorithms developed to predict the effect of missense changes on protein structure and function output the following: SIFT: "Tolerated"; PolyPhen-2: "Benign"; Align-GVGD: "Class C0". The tyrosine amino acid residue is found in multiple mammalian species, which suggests that this missense change does not adversely affect protein function. In summary, the available evidence is currently insufficient to determine the role of this variant in disease. Therefore, it has been classified as a Variant of Uncertain Significance.

NM_020458.4(TTC7A):c.1786C>T (p.His596Tyr)

Gene: TTC7A (tetratricopeptide repeat domain 7A; plus strand). Cytogenetic location: 2p21.
Variant type: single nucleotide variant.
Coding change: c.1786C>T on transcript NM_020458.4 (MANE Select); coding-DNA position 1786, C replaced by T.
Protein change: p.His596Tyr; replaces histidine 596 with tyrosine.
Molecular consequence: missense variant.
Genome position (GRCh38, 1-based): chr2:47,029,368, C>T. VCF-style: chr2-47029368-C-T. GRCh37 (hg19) VCF-style: chr2-47256507-C-T.
Other names: c.1786C>T (NM_020458.2); c.1786C>T, p.His596Tyr (NM_001288951.2); c.1684C>T, p.His562Tyr (NM_001288953.2); c.724C>T, p.His242Tyr (NM_001288955.2); short protein forms H562Y, H596Y, H242Y.
Identifiers: ClinVar variation 1913963 (VCV001913963.6), dbSNP rs1298371919, ClinGen allele CA346717799.